The following is an entry in ClinVar:

ClinVar aggregate classification (germline): Pathogenic (1 of 4 stars; one submission).

Conditions:
Spondyloepimetaphyseal dysplasia, PAPSS2 type. Also called: BRACHYOLMIA TYPE 4 WITH MILD EPIPHYSEAL AND METAPHYSEAL CHANGES; SPONDYLODYSPLASIA AND PREMATURE PUBARCHE; SEMD, PAKISTANI TYPE. Identifiers: Orphanet 93282, MedGen C2748516, MONDO:0019666, OMIM 612847.

Submission:

Labcorp Genetics (formerly Invitae), Labcorp
Classification: Pathogenic for Spondyloepimetaphyseal dysplasia, PAPSS2 type. Last evaluated: 2025-01-15. Review status: criteria provided, single submitter. Criteria: Invitae Variant Classification Sherloc (09022015). Collection method: clinical testing. Allele origin: germline.
Comment: This sequence change affects a donor splice site in intron 4 of the PAPSS2 gene. It is expected to disrupt RNA splicing. Variants that disrupt the donor or acceptor splice site typically lead to a loss of protein function (PMID: 16199547), and loss-of-function variants in PAPSS2 are known to be pathogenic (PMID: 22791835, 23633440). This variant is not present in population databases (gnomAD no frequency). Disruption of this splice site has been observed in individuals with brachyolmia (PMID: 23824674). ClinVar contains an entry for this variant (Variation ID: 2118413). Algorithms developed to predict the effect of sequence changes on RNA splicing suggest that this variant may disrupt the consensus splice site. For these reasons, this variant has been classified as Pathogenic.

Literature cited by the submitters: PubMed 16199547; PubMed 22791835; PubMed 23633440; PubMed 23824674.

NM_001015880.2(PAPSS2):c.520+1G>A

Gene: PAPSS2 (3'-phosphoadenosine 5'-phosphosulfate synthase 2; plus strand). Cytogenetic location: 10q23.31.
Variant type: single nucleotide variant.
Coding change: c.520+1G>A on transcript NM_001015880.2 (MANE Select); the canonical splice donor site of the intron after coding-DNA position 520, G replaced by A.
Molecular consequence: splice donor variant.
Genome position (GRCh38, 1-based): chr10:87,714,183, G>A. VCF-style: chr10-87714183-G-A. GRCh37 (hg19) VCF-style: chr10-89473940-G-A.
Other names: c.520+1G>A (NM_004670.4).
Identifiers: ClinVar variation 2118413 (VCV002118413.4), dbSNP rs2492825486, ClinGen allele CA377487758.
Genomic context (GRCh38, chr10:87,714,183, plus strand): 5'-TTTGTGAAAGCAGAGACGTAAAAGGCCTCTATAAAAGGGCCAGAGCTGGGGAGATTAAAG[G>A]TAAGAGAATTGGCTAGTAGCGTCTACCAGTTACATAGGCTGTCAGTCCTCAGTCCTTATT-3'